The following is an entry in ClinVar:

NM_001036.6(RYR3):c.5318A>G (p.Gln1773Arg)

Gene: RYR3 (ryanodine receptor 3; plus strand). Cytogenetic location: 15q14.
Variant type: single nucleotide variant.
Coding change: c.5318A>G on transcript NM_001036.6 (MANE Select); coding-DNA position 5318, A replaced by G.
Protein change: p.Gln1773Arg; replaces glutamine 1773 with arginine.
Molecular consequence: missense variant.
Genome position (GRCh38, 1-based): chr15:33,662,848, A>G. VCF-style: chr15-33662848-A-G. GRCh37 (hg19) VCF-style: chr15-33955049-A-G.
Other names: c.5318A>G, p.Gln1773Arg (NM_001243996.4); short protein forms Q1773R.
Identifiers: ClinVar variation 1488932 (VCV001488932.8), dbSNP rs1253604633, ClinGen allele CA391573319.

ClinVar aggregate classification (germline): Uncertain significance (1 of 4 stars; one submission).

Conditions:
Epileptic encephalopathy. Identifiers: MedGen C0543888, HP:0200134.

Allele frequency attached by ClinVar (database versions not stated): TOPMed below 0.00001; gnomAD exomes 0.00001.
gnomAD v4.1: 19 of 1,613,868 alleles (0.0012%); highest among the groups gnomAD compares: Non-Finnish European, 0.0016%; no homozygotes.

Submission:

Labcorp Genetics (formerly Invitae), Labcorp
Classification: Uncertain significance for Epileptic encephalopathy. Last evaluated: 2020-10-28. Review status: criteria provided, single submitter. Criteria: Invitae Variant Classification Sherloc (09022015). Collection method: clinical testing. Allele origin: germline.
Comment: In summary, the available evidence is currently insufficient to determine the role of this variant in disease. Therefore, it has been classified as a Variant of Uncertain Significance. Algorithms developed to predict the effect of missense changes on protein structure and function (SIFT, PolyPhen-2, Align-GVGD) all suggest that this variant is likely to be tolerated, but these predictions have not been confirmed by published functional studies and their clinical significance is uncertain. This variant has not been reported in the literature in individuals with RYR3-related conditions. This variant is not present in population databases (ExAC no frequency). This sequence change replaces glutamine with arginine at codon 1773 of the RYR3 protein (p.Gln1773Arg). The glutamine residue is moderately conserved and there is a small physicochemical difference between glutamine and arginine.